The following is an entry in ClinVar:

ClinVar aggregate classification (germline): Uncertain significance. Review status: criteria provided, multiple submitters, no conflicts (2 of 4 stars). 2 submissions from 2 submitters: Uncertain significance (2). Last evaluated 2024-02-24.

Conditions:
Diaphanospondylodysostosis. Also called: VERTEBRAL OSSIFICATION, DEFECT IN, WITH NEPHROGENIC RESTS. Identifiers: Orphanet 66637, MedGen C1842691, MONDO:0011946, OMIM 608022.

Allele frequency attached by ClinVar (database versions not stated): gnomAD 0.00001; gnomAD exomes 0.00001; TOPMed 0.00001.
gnomAD v4.1: 15 of 1,613,996 alleles (0.00093%); highest among the groups gnomAD compares: Non-Finnish European, 0.0013%; no homozygotes.

Submissions (2):

Labcorp Genetics (formerly Invitae), Labcorp
Classification: Uncertain significance. Last evaluated: 2024-02-24. Review status: criteria provided, single submitter. Criteria: Invitae Variant Classification Sherloc (09022015). Collection method: clinical testing. Allele origin: germline.
Comment: This sequence change replaces glutamine, which is neutral and polar, with lysine, which is basic and polar, at codon 335 of the BMPER protein (p.Gln335Lys). This variant is present in population databases (no rsID available, gnomAD 0.007%). This variant has not been reported in the literature in individuals affected with BMPER-related conditions. ClinVar contains an entry for this variant (Variation ID: 360106). Advanced modeling of protein sequence and biophysical properties (such as structural, functional, and spatial information, amino acid conservation, physicochemical variation, residue mobility, and thermodynamic stability) performed at Invitae indicates that this missense variant is not expected to disrupt BMPER protein function with a negative predictive value of 80%. In summary, the available evidence is currently insufficient to determine the role of this variant in disease. Therefore, it has been classified as a Variant of Uncertain Significance.

Illumina Laboratory Services, Illumina
Classification: Uncertain significance for Diaphanospondylodysostosis. Last evaluated: 2018-01-13. Review status: criteria provided, single submitter. Criteria: ICSL Variant Classification Criteria 13 December 2019. Collection method: clinical testing. Allele origin: germline.

NM_001365308.1(BMPER):c.1003C>A (p.Gln335Lys)

Gene: BMPER (BMP binding endothelial regulator; plus strand). Cytogenetic location: 7p14.3.
Variant type: single nucleotide variant.
Coding change: c.1003C>A on transcript NM_001365308.1 (MANE Select); coding-DNA position 1003, C replaced by A.
Protein change: p.Gln335Lys; replaces glutamine 335 with lysine.
Molecular consequence: missense variant.
Genome position (GRCh38, 1-based): chr7:34,058,134, C>A. VCF-style: chr7-34058134-C-A. GRCh37 (hg19) VCF-style: chr7-34097746-C-A.
Other names: c.1003C>A, p.Gln335Lys (NM_133468.5); short protein forms Q335K.
Identifiers: ClinVar variation 360106 (VCV000360106.10), dbSNP rs886062297, ClinGen allele CA10628987.